The following is an entry in ClinVar:

NM_013382.7(POMT2):c.613G>A (p.Ala205Thr)

Gene: POMT2 (protein O-mannosyltransferase 2; minus strand). Cytogenetic location: 14q24.3.
Variant type: single nucleotide variant.
Coding change: c.613G>A on transcript NM_013382.7 (MANE Select); coding-DNA position 613, G replaced by A.
Protein change: p.Ala205Thr; replaces alanine 205 with threonine.
Molecular consequence: missense variant.
Genome position (GRCh38, 1-based): chr14:77,302,878, C>T on the plus strand (G>A on the coding strand, the complement: POMT2 is on the minus strand). VCF-style: chr14-77302878-C-T. GRCh37 (hg19) VCF-style: chr14-77769221-C-T.
Other names: short protein forms A205T.
Identifiers: ClinVar variation 287942 (VCV000287942.12), dbSNP rs886043765, ClinGen allele CA10605920.
Genomic context (GRCh38, chr14:77,302,878, plus strand): 5'-GGGATGGAGTTTCTGACCTGTCGGCGCAAGAGTTGTACTTGACCATGCTCAGCATGGCAG[C>T]CATGATGAAGAACATCAGGATGGGGTCAAGGAGGATGTACTGGGACAGAGTGAGGCATCC-3'
Protein context (NP_037514.2, residues 195-215): LDPILMFFIM[Ala205Thr]AMLSMVKYNS

ClinVar aggregate classification (germline): Uncertain significance. Review status: criteria provided, multiple submitters, no conflicts (2 of 4 stars). 3 submissions from 3 submitters: Uncertain significance (3). Last evaluated 2023-01-03.

Conditions:
Muscular dystrophy-dystroglycanopathy (congenital with brain and eye anomalies), type A2. Also called: WALKER-WARBURG SYNDROME OR MUSCLE-EYE-BRAIN DISEASE, POMT2-RELATED; MUSCULAR DYSTROPHY-DYSTROGLYCANOPATHY (CONGENITAL WITH BRAIN AND EYE ANOMALIES), TYPE A, 2. Identifiers: Orphanet 588, Orphanet 899, MedGen C3150411, MONDO:0013154, OMIM 613150.
Muscular dystrophy-dystroglycanopathy (congenital with impaired intellectual development), type B, 2. Also called: Muscular dystrophy-dystroglycanopathy (congenital with intellectual disability), type B2; MUSCULAR DYSTROPHY, CONGENITAL, POMT2-RELATED. Identifiers: MedGen C3150416, MONDO:0013160, OMIM 613156.
Autosomal recessive limb-girdle muscular dystrophy type 2N. Also called: MUSCULAR DYSTROPHY-DYSTROGLYCANOPATHY, LIMB-GIRDLE, POMT2-RELATED; Muscular dystrophy-dystroglycanopathy (limb-girdle), type C, 2. Identifiers: Orphanet 206559, MedGen C3150418, MONDO:0013162, OMIM 613158.

Allele frequency attached by ClinVar (database versions not stated): gnomAD 0.00001; gnomAD exomes below 0.00001 and 0.00002; TOPMed 0.00001.

Submissions (3):

Revvity Omics, Revvity
Classification: Uncertain significance. Last evaluated: 2023-01-03. Review status: criteria provided, single submitter. Criteria: ACMG Guidelines, 2015. Collection method: clinical testing. Allele origin: germline.

Labcorp Genetics (formerly Invitae), Labcorp
Classification: Uncertain significance for Muscular dystrophy-dystroglycanopathy (congenital with impaired intellectual development), type B, 2; Muscular dystrophy-dystroglycanopathy (congenital with brain and eye anomalies), type A2; Autosomal recessive limb-girdle muscular dystrophy type 2N. Last evaluated: 2022-07-25. Review status: criteria provided, single submitter. Criteria: Invitae Variant Classification Sherloc (09022015). Collection method: clinical testing. Allele origin: germline.
Comment: This sequence change replaces alanine, which is neutral and non-polar, with threonine, which is neutral and polar, at codon 205 of the POMT2 protein (p.Ala205Thr). This variant is present in population databases (no rsID available, gnomAD 0.003%). This variant has not been reported in the literature in individuals affected with POMT2-related conditions. ClinVar contains an entry for this variant (Variation ID: 287942). Algorithms developed to predict the effect of missense changes on protein structure and function are either unavailable or do not agree on the potential impact of this missense change (SIFT: "Tolerated"; PolyPhen-2: "Possibly Damaging"; Align-GVGD: "Class C0"). In summary, the available evidence is currently insufficient to determine the role of this variant in disease. Therefore, it has been classified as a Variant of Uncertain Significance.

Eurofins Ntd Llc (ga)
Classification: Uncertain significance. Last evaluated: 2016-05-24. Review status: criteria provided, single submitter. Criteria: EGL Classification Definitions 2015. Collection method: clinical testing. Allele origin: germline. Observed: 1 variant allele, 1 heterozygote.